The following is an entry in ClinVar:

ClinVar aggregate classification (germline): Conflicting classifications of pathogenicity. Review status: criteria provided, conflicting classifications (1 of 4 stars). 2 submissions from 2 submitters: Uncertain significance (1); Likely benign (1). Last evaluated 2023-03-23.

Conditions:
Hereditary cancer-predisposing syndrome. Also called: Tumor predisposition; Hereditary Cancer Syndrome; Neoplastic Syndromes, Hereditary; Hereditary neoplastic syndrome. Identifiers: Orphanet 140162, MedGen C0027672, MeSH D009386, MONDO:0015356.

Submissions (2):

University of Washington Department of Laboratory Medicine, University of Washington
Classification: Likely benign for Hereditary cancer-predisposing syndrome. Last evaluated: 2023-03-23. Review status: criteria provided, single submitter. Criteria: Dines et al. (Genet Med. 2020). Collection method: curation. Allele origin: germline.
Comment: Missense variant in a coldspot region where missense variants are very unlikely to be pathogenic (PMID:31911673).

BRCA2 exon 11 coldspot. Reclassification based on statistical prior probability.

Color Diagnostics, LLC DBA Color Health
Classification: Uncertain significance for Hereditary cancer-predisposing syndrome. Last evaluated: 2021-04-19. Review status: criteria provided, single submitter. Criteria: ACMG Guidelines, 2015. Collection method: clinical testing. Allele origin: germline.
Comment: This missense variant replaces threonine with isoleucine at codon 1785 of the BRCA2 protein. Computational prediction suggests that this variant may not impact protein structure and function (internally defined REVEL score threshold <= 0.5, PMID: 27666373). To our knowledge, functional studies have not been reported for this variant. This variant has not been reported as a germline mutation in individuals affected with hereditary cancer in the literature. This variant has not been identified in the general population by the Genome Aggregation Database (gnomAD). The available evidence is insufficient to determine the role of this variant in disease conclusively. Therefore, this variant is classified as a Variant of Uncertain Significance.

NM_000059.4(BRCA2):c.5354C>T (p.Thr1785Ile)

Gene: BRCA2 (BRCA2 DNA repair associated; plus strand). Cytogenetic location: 13q13.1.
Variant type: single nucleotide variant.
Coding change: c.5354C>T on transcript NM_000059.4 (MANE Select); coding-DNA position 5354, C replaced by T.
Protein change: p.Thr1785Ile; replaces threonine 1785 with isoleucine.
Molecular consequence: missense variant.
Genome position (GRCh38, 1-based): chr13:32,339,709, C>T. VCF-style: chr13-32339709-C-T. GRCh37 (hg19) VCF-style: chr13-32913846-C-T.
Other names: short protein forms T1785I.
Identifiers: ClinVar variation 1332315 (VCV001332315.4), dbSNP rs2137516710, ClinGen allele CA387785067.
Genomic context (GRCh38, chr13:32,339,709, plus strand): 5'-AAAATAAACTTGATTCTGGTATTGAGCCAGTATTGAAGAATGTTGAAGATCAAAAAAACA[C>T]TAGTTTTTCCAAAGTAATATCCAATGTAAAAGATGCAAATGCATACCCACAAACTGTAAA-3'
Protein context (NP_000050.3, residues 1775-1795): VLKNVEDQKN[Thr1785Ile]SFSKVISNVK